The following is an entry in ClinVar:

NM_144687.4(NLRP12):c.331A>G (p.Thr111Ala)

Gene: NLRP12 (NLR family pyrin domain containing 12; minus strand). Cytogenetic location: 19q13.42.
Variant type: single nucleotide variant.
Coding change: c.331A>G on transcript NM_144687.4 (MANE Select); coding-DNA position 331, A replaced by G.
Protein change: p.Thr111Ala; replaces threonine 111 with alanine.
Molecular consequence: missense variant.
Genome position (GRCh38, 1-based): chr19:53,814,947, T>C on the plus strand (A>G on the coding strand, the complement: NLRP12 is on the minus strand). VCF-style: chr19-53814947-T-C. GRCh37 (hg19) VCF-style: chr19-54318201-T-C.
Other names: c.331A>G, p.Thr111Ala (NM_001277126.2, NM_001277129.1); short protein forms T111A.
Identifiers: ClinVar variation 1965994 (VCV001965994.6), dbSNP rs1373495227, ClinGen allele CA407417699.

ClinVar aggregate classification (germline): Uncertain significance. Review status: criteria provided, multiple submitters, no conflicts (2 of 4 stars). 2 submissions from 2 submitters: Uncertain significance (2). Last evaluated 2025-11-10.

Conditions:
Familial cold autoinflammatory syndrome 2 (FCAS2). Identifiers: Orphanet 247868, MedGen C2673198, MONDO:0012724, OMIM 611762.

Allele frequency attached by ClinVar (database versions not stated): gnomAD 0.00001; gnomAD exomes 0.00001; TOPMed 0.00003.
gnomAD v4.1: 12 of 1,613,946 alleles (0.00074%); highest among the groups gnomAD compares: Admixed American, 0.0017%; no homozygotes.

Submissions (2):

Women's Health and Genetics/Laboratory Corporation of America, LabCorp
Classification: Uncertain significance. Last evaluated: 2025-11-10. Review status: criteria provided, single submitter. Criteria: LabCorp Variant Classification Summary - May 2015. Collection method: clinical testing. Allele origin: germline.
Comment: Variant summary: NLRP12 c.331A>G (p.Thr111Ala) results in a non-conservative amino acid change in the encoded protein sequence. Algorithms developed to predict the effect of missense changes on protein structure and function are either unavailable or do not agree on the potential impact of this missense change. The variant was absent in 251492 control chromosomes. The available data on variant occurrences in the general population are insufficient to allow any conclusion about variant significance. To our knowledge, no occurrence of c.331A>G in individuals affected with NLRP12-related conditions and no experimental evidence demonstrating its impact on protein function have been reported. ClinVar contains an entry for this variant (Variation ID: 1965994). Based on the evidence outlined above, the variant was classified as uncertain significance.

Labcorp Genetics (formerly Invitae), Labcorp
Classification: Uncertain significance for Familial cold autoinflammatory syndrome 2. Last evaluated: 2024-12-29. Review status: criteria provided, single submitter. Criteria: Invitae Variant Classification Sherloc (09022015). Collection method: clinical testing. Allele origin: germline.
Comment: This sequence change replaces threonine, which is neutral and polar, with alanine, which is neutral and non-polar, at codon 111 of the NLRP12 protein (p.Thr111Ala). This variant is present in population databases (no rsID available, gnomAD 0.007%). This variant has not been reported in the literature in individuals affected with NLRP12-related conditions. ClinVar contains an entry for this variant (Variation ID: 1965994). An algorithm developed to predict the effect of missense changes on protein structure and function outputs the following: PolyPhen-2: "Benign". The alanine amino acid residue is found in multiple mammalian species, which suggests that this missense change does not adversely affect protein function. In summary, the available evidence is currently insufficient to determine the role of this variant in disease. Therefore, it has been classified as a Variant of Uncertain Significance.